The following is an entry in ClinVar:

ClinVar aggregate classification (germline): Conflicting classifications of pathogenicity. Review status: criteria provided, conflicting classifications (1 of 4 stars). 3 submissions from 3 submitters: Likely pathogenic (1); Uncertain significance (2). Last evaluated 2023-05-01.

Conditions:
Gnathodiaphyseal dysplasia (GDD). Also called: GNATHODIAPHYSEAL SCLEROSIS; OSTEOGENESIS IMPERFECTA WITH UNUSUAL SKELETAL LESIONS. Identifiers: Orphanet 53697, MedGen C1833736, MONDO:0008151, OMIM 166260.
Autosomal recessive limb-girdle muscular dystrophy type 2L (LGMDR12). Also called: MUSCULAR DYSTROPHY, LIMB-GIRDLE, AUTOSOMAL RECESSIVE 12; Limb-girdle muscular dystrophy, type 2L; Limb-Girdle Muscular Dystrophy R12 Anoctamin-5-Related (LGMD-R12). Identifiers: Orphanet 206549, MedGen C1969785, MONDO:0012652, OMIM 611307.

Allele frequency attached by ClinVar (database versions not stated): gnomAD exomes 0.00001 and 0.00002; ExAC 0.00002.
gnomAD v4.1: 18 of 1,613,508 alleles (0.0011%); highest among the groups gnomAD compares: South Asian, 0.015%; no homozygotes.

Submissions (3):

Labcorp Genetics (formerly Invitae), Labcorp
Classification: Likely pathogenic for Autosomal recessive limb-girdle muscular dystrophy type 2L; Gnathodiaphyseal dysplasia. Last evaluated: 2023-05-01. Review status: criteria provided, single submitter. Criteria: Invitae Variant Classification Sherloc (09022015). Collection method: clinical testing. Allele origin: germline.
Comment: ClinVar contains an entry for this variant (Variation ID: 468834). This missense change has been observed in individual(s) with clinical features of autosomal recessive ANO5-related disease (Invitae). In at least one individual the data is consistent with being in trans (on the opposite chromosome) from a pathogenic variant. This variant is present in population databases (rs763783201, gnomAD 0.02%). This sequence change replaces isoleucine, which is neutral and non-polar, with threonine, which is neutral and polar, at codon 608 of the ANO5 protein (p.Ile608Thr). Advanced modeling of protein sequence and biophysical properties (such as structural, functional, and spatial information, amino acid conservation, physicochemical variation, residue mobility, and thermodynamic stability) has been performed at Invitae for this missense variant, however the output from this modeling did not meet the statistical confidence thresholds required to predict the impact of this variant on ANO5 protein function. In summary, the currently available evidence indicates that the variant is pathogenic, but additional data are needed to prove that conclusively. Therefore, this variant has been classified as Likely Pathogenic.

Revvity Omics, Revvity
Classification: Uncertain significance. Last evaluated: 2020-06-26. Review status: criteria provided, single submitter. Criteria: ACMG Guidelines, 2015. Collection method: clinical testing. Allele origin: germline.

Blueprint Genetics
Classification: Uncertain significance. Last evaluated: 2017-08-10. Review status: criteria provided, single submitter. Criteria: ACMG Guidelines, 2015. Collection method: clinical testing. Allele origin: germline.

NM_213599.3(ANO5):c.1823T>C (p.Ile608Thr)

Gene: ANO5 (anoctamin 5; plus strand). Cytogenetic location: 11p14.3.
Variant type: single nucleotide variant.
Coding change: c.1823T>C on transcript NM_213599.3 (MANE Select); coding-DNA position 1823, T replaced by C.
Protein change: p.Ile608Thr; replaces isoleucine 608 with threonine.
Molecular consequence: missense variant.
Genome position (GRCh38, 1-based): chr11:22,262,968, T>C. VCF-style: chr11-22262968-T-C. GRCh37 (hg19) VCF-style: chr11-22284514-T-C.
Other names: c.1820T>C, p.Ile607Thr (NM_001142649.2); short protein forms I608T, I607T.
Identifiers: ClinVar variation 468834 (VCV000468834.13), dbSNP rs763783201, ClinGen allele CA5923370.
Genomic context (GRCh38, chr11:22,262,968, plus strand): 5'-CATTCAATTCTGTTTTCTCCCCTCTTGCTTCTGACTAGTGTGATCCTGGAGGCTGTCTTA[T>C]AGAATTGACAACCCAATTGACCATTATAATGACCGGGAAACAGATTTTTGGAAACATTAA-3'
Protein context (NP_998764.1, residues 598-618): SEECDPGGCL[Ile608Thr]ELTTQLTIIM